The following is an entry in ClinVar:

NM_030640.3(DUSP16):c.1080G>A (p.Val360=)

Gene: DUSP16 (dual specificity phosphatase 16; minus strand). Cytogenetic location: 12p13.2.
Variant type: single nucleotide variant.
Coding change: c.1080G>A on transcript NM_030640.3 (MANE Select); coding-DNA position 1080, G replaced by A.
Protein change: p.Val360=; no amino-acid change (valine 360 retained).
Molecular consequence: synonymous variant.
Genome position (GRCh38, 1-based): chr12:12,477,751, C>T on the plus strand (G>A on the coding strand, the complement: DUSP16 is on the minus strand). VCF-style: chr12-12477751-C-T. GRCh37 (hg19) VCF-style: chr12-12630685-C-T.
Identifiers: ClinVar variation 2642738 (VCV002642738.24), dbSNP rs2111269, ClinGen allele CA6456744.

ClinVar aggregate classification (germline): Likely benign (1 of 4 stars; one submission).

Allele frequency attached by ClinVar (database versions not stated): gnomAD exomes 0.00002; gnomAD 0.00003; ExAC 0.00005; TOPMed 0.02770.
gnomAD v4.1: 35 of 1,525,148 alleles (0.0023%); highest among the groups gnomAD compares: East Asian, 0.089%; no homozygotes.

Submission:

CeGaT Center for Human Genetics Tuebingen
Classification: Likely benign. Last evaluated: 2022-04-01. Review status: criteria provided, single submitter. Criteria: CeGaT Center For Human Genetics Tuebingen Variant Classification Criteria Version 2. Collection method: clinical testing. Allele origin: germline. Affected: yes. Observed: 1 variant allele.
Comment: DUSP16: BP4, BP7